The following is an entry in ClinVar:

NM_000238.4(KCNH2):c.3439T>A (p.Ser1147Thr)

Gene: KCNH2 (potassium voltage-gated channel subfamily H member 2; minus strand). Cytogenetic location: 7q36.1.
Variant type: single nucleotide variant.
Coding change: c.3439T>A on transcript NM_000238.4 (MANE Select); coding-DNA position 3439, T replaced by A.
Protein change: p.Ser1147Thr; replaces serine 1147 with threonine.
Molecular consequence: missense variant. On other transcripts: non-coding transcript variant (2).
Genome position (GRCh38, 1-based): chr7:150,945,406, A>T on the plus strand (T>A on the coding strand, the complement: KCNH2 is on the minus strand). VCF-style: chr7-150945406-A-T. GRCh37 (hg19) VCF-style: chr7-150642494-A-T.
Other names: c.3151T>A, p.Ser1051Thr (NM_001406753.1); c.2419T>A, p.Ser807Thr (NM_172057.3); short protein forms S1051T, S1147T, S807T.
Identifiers: ClinVar variation 3894343 (VCV003894343.1).

ClinVar aggregate classification (germline): Uncertain significance (1 of 4 stars; one submission).

Conditions:
Cardiac arrhythmia. Also called: Cardiac rhythm disease; Arrhythmia. Identifiers: MedGen C0003811, MONDO:0007263, HP:0011675.

Submission:

Color Diagnostics, LLC DBA Color Health
Classification: Uncertain significance for Cardiac arrhythmia. Last evaluated: 2024-01-22. Review status: criteria provided, single submitter. Criteria: ACMG Guidelines, 2015. Collection method: clinical testing. Allele origin: germline.
Comment: This missense variant replaces serine with threonine at codon 1147 of the KCNH2 protein. Computational prediction is inconclusive regarding the impact of this variant on protein structure and function (internally defined REVEL score threshold 0.5 < inconclusive < 0.7, PMID: 27666373). To our knowledge, functional studies have not been reported for this variant. This variant has not been reported in individuals affected with KCNH2-related disorders in the literature. This variant has not been identified in the general population by the Genome Aggregation Database (gnomAD). The available evidence is insufficient to determine the role of this variant in disease conclusively. Therefore, this variant is classified as a Variant of Uncertain Significance.